The following is an entry in ClinVar:

NM_003388.5(CLIP2):c.1728G>A (p.Ala576=)

Gene: CLIP2 (CAP-Gly domain containing linker protein 2; plus strand). Cytogenetic location: 7q11.23.
Variant type: single nucleotide variant.
Coding change: c.1728G>A on transcript NM_003388.5 (MANE Select); coding-DNA position 1728, G replaced by A.
Protein change: p.Ala576=; no amino-acid change (alanine 576 retained).
Molecular consequence: synonymous variant.
Genome position (GRCh38, 1-based): chr7:74,376,129, G>A. VCF-style: chr7-74376129-G-A. GRCh37 (hg19) VCF-style: chr7-73790459-G-A.
Other names: c.1623G>A, p.Ala541= (NM_032421.3).
Identifiers: ClinVar variation 2657590 (VCV002657590.24), dbSNP rs782457054, ClinGen allele CA4295845.

ClinVar aggregate classification (germline): Likely benign (1 of 4 stars; one submission).

Allele frequency attached by ClinVar (database versions not stated): ExAC 0.00001; gnomAD exomes 0.00001; gnomAD 0.00002; TOPMed 0.00002.
gnomAD v4.1: 22 of 1,609,716 alleles (0.0014%); highest among the groups gnomAD compares: East Asian, 0.022%; no homozygotes.

Submission:

CeGaT Center for Human Genetics Tuebingen
Classification: Likely benign. Last evaluated: 2022-06-01. Review status: criteria provided, single submitter. Criteria: CeGaT Center For Human Genetics Tuebingen Variant Classification Criteria Version 2. Collection method: clinical testing. Allele origin: germline. Affected: yes. Observed: 1 variant allele.
Comment: CLIP2: BP4, BP7